The following is an entry in ClinVar:

ClinVar aggregate classification (germline): Uncertain significance (1 of 4 stars; one submission).

Conditions:
Autosomal dominant hypocalcemia 1 (HYPOC1). Also called: HYPOCALCEMIA, FAMILIAL. Identifiers: MedGen C3715128, MONDO:0011013, OMIM 601198.
Familial hypocalciuric hypercalcemia (FHH). Also called: Familial benign hypercalcemia. Identifiers: Orphanet 405, MedGen C1809471, MONDO:0018458.

Submission:

Labcorp Genetics (formerly Invitae), Labcorp
Classification: Uncertain significance for Familial hypocalciuric hypercalcemia; Autosomal dominant hypocalcemia 1. Last evaluated: 2025-06-09. Review status: criteria provided, single submitter. Criteria: Invitae Variant Classification Sherloc (09022015). Collection method: clinical testing. Allele origin: germline.
Comment: This sequence change replaces proline, which is neutral and non-polar, with serine, which is neutral and polar, at codon 55 of the CASR protein (p.Pro55Ser). This variant is not present in population databases (gnomAD no frequency). This variant has not been reported in the literature in individuals affected with CASR-related conditions. ClinVar contains an entry for this variant (Variation ID: 2130818). An algorithm developed to predict the effect of missense changes on protein structure and function (PolyPhen-2) suggests that this variant is likely to be disruptive. This variant disrupts the p.Pro55 amino acid residue in CASR. Other variant(s) that disrupt this residue have been determined to be pathogenic (PMID: 8675635, 8878438, 11763315, 12580936, 19389809, 19759318, 20164288, 22422767, 24947037). This suggests that this residue is clinically significant, and that variants that disrupt this residue are likely to be disease-causing. In summary, the available evidence is currently insufficient to determine the role of this variant in disease. Therefore, it has been classified as a Variant of Uncertain Significance.

Literature cited by the submitters: PubMed 8675635; PubMed 8878438; PubMed 11763315; PubMed 12580936; PubMed 19389809; PubMed 19759318; PubMed 20164288; PubMed 22422767; PubMed 24947037.

NM_000388.4(CASR):c.163C>T (p.Pro55Ser)

Gene: CASR (calcium sensing receptor; plus strand). Cytogenetic location: 3q21.1.
Variant type: single nucleotide variant.
Coding change: c.163C>T on transcript NM_000388.4 (MANE Select); coding-DNA position 163, C replaced by T.
Protein change: p.Pro55Ser; replaces proline 55 with serine.
Molecular consequence: missense variant.
Genome position (GRCh38, 1-based): chr3:122,254,352, C>T. VCF-style: chr3-122254352-C-T. GRCh37 (hg19) VCF-style: chr3-121973199-C-T.
Other names: c.163C>T, p.Pro55Ser (NM_001178065.2); short protein forms P55S.
Identifiers: ClinVar variation 2130818 (VCV002130818.4), dbSNP rs2107625041, ClinGen allele CA354362268.